The following is an entry in ClinVar:

ClinVar aggregate classification (germline): Uncertain significance. Review status: criteria provided, multiple submitters, no conflicts (2 of 4 stars). 2 submissions from 2 submitters: Uncertain significance (2). Last evaluated 2022-06-01.

Conditions:
Inborn genetic diseases. Identifiers: MedGen C0950123, MeSH D030342.

Allele frequency attached by ClinVar (database versions not stated): gnomAD 0.00001; TOPMed 0.00002.
gnomAD v4.1: 17 of 1,499,040 alleles (0.0011%); highest among the groups gnomAD compares: Admixed American, 0.0022%; no homozygotes.

Submissions (2):

GeneDx
Classification: Uncertain significance. Last evaluated: 2022-06-01. Review status: criteria provided, single submitter. Criteria: GeneDx Variant Classification Process June 2021. Collection method: clinical testing. Allele origin: germline. Affected: yes.
Comment: Not observed at significant frequency in large population cohorts (gnomAD); In silico analysis supports that this missense variant does not alter protein structure/function; Has not been previously published as pathogenic or benign to our knowledge

Ambry Genetics
Classification: Uncertain significance for Inborn genetic diseases. Last evaluated: 2021-06-15. Review status: criteria provided, single submitter. Criteria: Ambry Variant Classification Scheme 2023. Collection method: clinical testing. Allele origin: germline.

NM_001127222.2(CACNA1A):c.2903G>A (p.Gly968Asp)

Gene: CACNA1A (calcium voltage-gated channel subunit alpha1 A; minus strand). Cytogenetic location: 19p13.13.
Variant type: single nucleotide variant.
Coding change: c.2903G>A on transcript NM_001127222.2 (MANE Select); coding-DNA position 2903, G replaced by A.
Protein change: p.Gly968Asp; replaces glycine 968 with aspartic acid.
Molecular consequence: missense variant.
Genome position (GRCh38, 1-based): chr19:13,298,730, C>T on the plus strand (G>A on the coding strand, the complement: CACNA1A is on the minus strand). VCF-style: chr19-13298730-C-T. GRCh37 (hg19) VCF-style: chr19-13409544-C-T.
Other names: c.2915G>A, p.Gly972Asp (NM_000068.4, NM_023035.3); c.2906G>A, p.Gly969Asp (NM_001127221.2, NM_001174080.2); short protein forms G968D, G969D, G972D.
Identifiers: ClinVar variation 1802009 (VCV001802009.4), dbSNP rs1337869540, ClinGen allele CA404342483.